The following is an entry in ClinVar:

ClinVar aggregate classification (germline): Uncertain significance (1 of 4 stars; one submission).

Allele frequency attached by ClinVar (database versions not stated): gnomAD exomes below 0.00001 and 0.00001.
gnomAD v4.1: 2 of 1,613,846 alleles (0.00012%); highest among the groups gnomAD compares: Admixed American, 0.0017%; no homozygotes.

Submission:

Labcorp Genetics (formerly Invitae), Labcorp
Classification: Uncertain significance. Last evaluated: 2022-08-23. Review status: criteria provided, single submitter. Criteria: Invitae Variant Classification Sherloc (09022015). Collection method: clinical testing. Allele origin: germline.
Comment: This sequence change replaces lysine, which is basic and polar, with arginine, which is basic and polar, at codon 542 of the MYO7A protein (p.Lys542Arg). This variant is present in population databases (no rsID available, gnomAD 0.003%). This variant has not been reported in the literature in individuals affected with MYO7A-related conditions. ClinVar contains an entry for this variant (Variation ID: 1515414). Advanced modeling of protein sequence and biophysical properties (such as structural, functional, and spatial information, amino acid conservation, physicochemical variation, residue mobility, and thermodynamic stability) performed at Invitae indicates that this missense variant is not expected to disrupt MYO7A protein function. Algorithms developed to predict the effect of sequence changes on RNA splicing suggest that this variant may create or strengthen a splice site. In summary, the available evidence is currently insufficient to determine the role of this variant in disease. Therefore, it has been classified as a Variant of Uncertain Significance.

NM_000260.4(MYO7A):c.1625A>G (p.Lys542Arg)

Gene: MYO7A (myosin VIIA; plus strand). Cytogenetic location: 11q13.5.
Variant type: single nucleotide variant.
Coding change: c.1625A>G on transcript NM_000260.4 (MANE Select); coding-DNA position 1625, A replaced by G.
Protein change: p.Lys542Arg; replaces lysine 542 with arginine.
Molecular consequence: missense variant.
Genome position (GRCh38, 1-based): chr11:77,162,923, A>G. VCF-style: chr11-77162923-A-G. GRCh37 (hg19) VCF-style: chr11-76873969-A-G.
Other names: c.1625A>G, p.Lys542Arg (NM_001127180.2); c.1592A>G, p.Lys531Arg (NM_001369365.1); short protein forms K531R, K542R.
Identifiers: ClinVar variation 1515414 (VCV001515414.5), dbSNP rs1555070184, ClinGen allele CA381936170.